The following is an entry in ClinVar:

NM_152419.3(HGSNAT):c.840C>T (p.Leu280=)

Gene: HGSNAT (heparan-alpha-glucosaminide N-acetyltransferase; plus strand). Cytogenetic location: 8p11.21.
Variant type: single nucleotide variant.
Coding change: c.840C>T on transcript NM_152419.3 (MANE Select); coding-DNA position 840, C replaced by T.
Protein change: p.Leu280=; no amino-acid change (leucine 280 retained).
Molecular consequence: synonymous variant. On other transcripts: intron variant (2).
Genome position (GRCh38, 1-based): chr8:43,173,732, C>T. VCF-style: chr8-43173732-C-T. GRCh37 (hg19) VCF-style: chr8-43028875-C-T.
Other names: c.840C>T, p.Leu280= (NM_001363227.2); c.-14+1346C>T (NM_001363229.2); c.820+1346C>T (NM_001363228.2); c.840C>T (NM_152419.2).
Identifiers: ClinVar variation 1140957 (VCV001140957.10), dbSNP rs1000820440, ClinGen allele CA176066265.

ClinVar aggregate classification (germline): Likely benign. Review status: criteria provided, multiple submitters, no conflicts (2 of 4 stars). 3 submissions from 3 submitters: Likely benign (2). 1 of the submissions does not count toward it. Last evaluated 2024-05-08.

Conditions:
Mucopolysaccharidosis, MPS-III-C (MPS3C). Also called: MPS III C; Mucopolysaccharidosis type IIIC (Sanfilippo C); SANFILIPPO SYNDROME C; MUCOPOLYSACCHARIDOSIS, TYPE IIIC; mucopolysaccharidosis type 3C; MPS IIIC (Sanfilippo Syndrome Type C). Identifiers: Orphanet 581, Orphanet 79271, MedGen C0086649, MONDO:0009657, OMIM 252930.
Retinitis pigmentosa 73 (RP73). Identifiers: Orphanet 791, MedGen C4225287, MONDO:0014687, OMIM 616544.
HGSNAT-related disorder. Also called: HGSNAT-related condition.

Allele frequency attached by ClinVar (database versions not stated): gnomAD 0.00004; gnomAD exomes 0.00002 and 0.00001; TOPMed 0.00003.
gnomAD v4.1: 39 of 1,612,748 alleles (0.0024%); highest among the groups gnomAD compares: African/African-American, 0.0067%; no homozygotes.

Submissions (3):

Labcorp Genetics (formerly Invitae), Labcorp
Classification: Likely benign for Retinitis pigmentosa 73; Mucopolysaccharidosis, MPS-III-C. Last evaluated: 2024-05-08. Review status: criteria provided, single submitter. Criteria: Invitae Variant Classification Sherloc (09022015). Collection method: clinical testing. Allele origin: germline.

Blueprint Genetics
Classification: Likely benign. Last evaluated: 2022-02-09. Review status: criteria provided, single submitter. Criteria: ACMG Guidelines, 2015. Collection method: clinical testing. Allele origin: germline.

PreventionGenetics, part of Exact Sciences
Classification: Likely benign for HGSNAT-related condition. Last evaluated: 2019-06-19. Review status: no assertion criteria provided. Collection method: clinical testing. Allele origin: germline. Not counted in ClinVar's aggregate classification.
Comment: This variant is classified as likely benign based on ACMG/AMP sequence variant interpretation guidelines (Richards et al. 2015 PMID: 25741868, with internal and published modifications).